The following is an entry in ClinVar:

NM_000069.3(CACNA1S):c.1800T>A (p.Phe600Leu)

Gene: CACNA1S (calcium voltage-gated channel subunit alpha1 S; minus strand). Cytogenetic location: 1q32.1.
Variant type: single nucleotide variant.
Coding change: c.1800T>A on transcript NM_000069.3 (MANE Select); coding-DNA position 1800, T replaced by A.
Protein change: p.Phe600Leu; replaces phenylalanine 600 with leucine.
Molecular consequence: missense variant.
Genome position (GRCh38, 1-based): chr1:201,076,947, A>T on the plus strand (T>A on the coding strand, the complement: CACNA1S is on the minus strand). VCF-style: chr1-201076947-A-T. GRCh37 (hg19) VCF-style: chr1-201046075-A-T.
Other names: c.1800T>A (NM_000069.2); short protein forms F600L.
Identifiers: ClinVar variation 3069483 (VCV003069483.2), dbSNP rs2464566423, ClinGen allele CA344119541.

ClinVar aggregate classification (germline): Uncertain significance. Review status: criteria provided, multiple submitters, no conflicts (2 of 4 stars). 2 submissions from 2 submitters: Uncertain significance (2). Last evaluated 2025-08-06.

Conditions:
Malignant hyperthermia, susceptibility to, 5 (MHS5). Also called: CACNA1S-Related Malignant Hyperthermia Susceptibility. Identifiers: Orphanet 423, MedGen C1866077, MONDO:0011163, OMIM 601887.

Allele frequency attached by ClinVar (database versions not stated): gnomAD exomes below 0.00001.
gnomAD v4.1: 1 of 1,614,176 alleles (0.000062%); highest among the groups gnomAD compares: Non-Finnish European, 0.000085%; no homozygotes.

Submissions (2):

GeneDx
Classification: Uncertain significance. Last evaluated: 2025-08-06. Review status: criteria provided, single submitter. Criteria: GeneDx Variant Classification Process June 2021. Collection method: clinical testing. Allele origin: germline. Affected: yes.
Comment: Not observed at significant frequency in large population cohorts (gnomAD); In silico analysis supports that this missense variant has a deleterious effect on protein structure/function; Has not been previously published as pathogenic or benign to our knowledge

All of Us Research Program, National Institutes of Health
Classification: Uncertain significance for Malignant hyperthermia, susceptibility to, 5. Last evaluated: 2023-02-24. Review status: criteria provided, single submitter. Criteria: ACMG Guidelines, 2015. Collection method: clinical testing. Allele origin: germline. Inheritance: Autosomal dominant inheritance. Observed: 1 variant allele, 1 heterozygote.
Comment: This missense variant replaces phenylalanine with leucine at codon 600 of the CACNA1S protein. Computational prediction suggests that this variant may have deleterious impact on protein structure and function (internally defined REVEL score threshold >= 0.7, PMID: 27666373). To our knowledge, functional studies have not been reported for this variant. This variant has not been reported in individuals affected with CACNA1S-related disorders in the literature. This variant has not been identified in the general population by the Genome Aggregation Database (gnomAD). The available evidence is insufficient to determine the role of this variant in disease conclusively. Therefore, this variant is classified as a Variant of Uncertain Significance.

This study involves interpretation of variants in research participants for the purpose of population health screening. Participant phenotype was not available at the time of variant classification. Additional details can be found in publication PMID: 35346344, PMCID: PMC8962531